The following is an entry in ClinVar:

NM_007294.4(BRCA1):c.5146T>A (p.Tyr1716Asn)

Gene: BRCA1 (BRCA1 DNA repair associated; minus strand). Cytogenetic location: 17q21.31.
Variant type: single nucleotide variant.
Coding change: c.5146T>A on transcript NM_007294.4 (MANE Select); coding-DNA position 5146, T replaced by A.
Protein change: p.Tyr1716Asn; replaces tyrosine 1716 with asparagine.
Molecular consequence: missense variant. On other transcripts: non-coding transcript variant (1).
Genome position (GRCh38, 1-based): chr17:43,063,880, A>T on the plus strand (T>A on the coding strand, the complement: BRCA1 is on the minus strand). VCF-style: chr17-43063880-A-T. GRCh37 (hg19) VCF-style: chr17-41215897-A-T.
Other names: c.1621T>A, p.Tyr541Asn (NM_001408492.1, NM_001408493.1); c.1597T>A, p.Tyr533Asn (NM_001408494.1); c.1591T>A, p.Tyr531Asn (NM_001408495.1); c.1573T>A, p.Tyr525Asn (NM_001408496.1, NM_001408497.1, NM_001408498.1 and 3 more transcripts); c.5017T>A, p.Tyr1673Asn (NM_001407681.1, NM_001407682.1, NM_001407683.1 and 6 more transcripts); c.5146T>A, p.Tyr1716Asn (NM_001407684.1, NM_001407854.1, NM_001407593.1 and 7 more transcripts); c.5005T>A, p.Tyr1669Asn (NM_001407725.1, NM_001407726.1, NM_001407727.1 and 13 more transcripts); c.5002T>A, p.Tyr1668Asn (NM_001407732.1, NM_001407733.1, NM_001407744.1 and 21 more transcripts); and 71 more; short protein forms Y1716N, Y1737N, Y612N, Y1669N, Y1419N, Y1420N, Y1587N, Y1589N.
Identifiers: ClinVar variation 825475 (VCV000825475.7), dbSNP rs1597819932, ClinGen allele CA10591255.

ClinVar aggregate classification (germline): Uncertain significance (1 of 4 stars; one submission).

Conditions:
Hereditary cancer-predisposing syndrome. Also called: Hereditary Cancer Syndrome; Hereditary neoplastic syndrome; Neoplastic Syndromes, Hereditary; Tumor predisposition. Identifiers: Orphanet 140162, MedGen C0027672, MeSH D009386, MONDO:0015356.

Submissions (2):

Ambry Genetics
Classification: Uncertain significance for Hereditary cancer-predisposing syndrome. Last evaluated: 2019-02-25. Review status: criteria provided, single submitter. Criteria: Ambry Variant Classification Scheme 2023. Collection method: clinical testing. Allele origin: germline.
Comment: The p.Y1716N variant (also known as c.5146T>A), located in coding exon 16 of the BRCA1 gene, results from a T to A substitution at nucleotide position 5146. The tyrosine at codon 1716 is replaced by asparagine, an amino acid with dissimilar properties. One functional study found that this nucleotide substitution is tolerated in a high throughput genome editing haploid cell survival assay. (Findlay GM et al. Nature, 2018 10;562:217-222). This amino acid position is well conserved in available vertebrate species. In addition, this alteration is predicted to be deleterious by in silico analysis. Since supporting evidence is limited at this time, the clinical significance of this alteration remains unclear.

Brotman Baty Institute, University of Washington
No classification provided (evidence only). Condition: Breast-ovarian cancer, familial 1. Review status: no classification provided. Collection method: in vitro. Allele origin: not applicable. Functional consequence: functionally_normal. Not counted in ClinVar's aggregate classification.
ClinVar note: "not provided" was previously submitted as the classification for the variant. However, the classification appeared to be based only on an observation of functional data so it was converted to no classification on 2025-07-30.

Literature cited by the submitters: PubMed 30209399 (cited by Ambry Genetics).